The following is an entry in ClinVar:

ClinVar aggregate classification (germline): Pathogenic/Likely pathogenic. Review status: criteria provided, multiple submitters, no conflicts (2 of 4 stars). 2 submissions from 2 submitters: Pathogenic (1); Likely pathogenic (1). Last evaluated 2024-04-05.

Conditions:
Autosomal recessive Parkinson disease 14. Also called: PARKINSON DISEASE 14; DYSTONIA-PARKINSONISM, ADULT-ONSET. Identifiers: Orphanet 199351, MedGen C2751842, MONDO:0013060, OMIM 612953.
Infantile neuroaxonal dystrophy (NBIA2A). Also called: NEURODEGENERATION WITH BRAIN IRON ACCUMULATION 2A; SEITELBERGER DISEASE; Infantile neuroaxonal dystrophy 1. Identifiers: Orphanet 35069, MedGen C0270724, MONDO:0024457, OMIM 256600.
Neurodegeneration with brain iron accumulation 2B. Also called: NEUROAXONAL DYSTROPHY, ATYPICAL; NEURODEGENERATION WITH BRAIN IRON ACCUMULATION, PLA2G6-RELATED; aNAD; atypical Neuroaxonal Dystrophy (aNAD). Identifiers: Orphanet 35069, MedGen C1857747, MONDO:0012444, OMIM 610217.

Submissions (2):

Fulgent Genetics
Classification: Likely pathogenic for Infantile neuroaxonal dystrophy; Neurodegeneration with brain iron accumulation 2B; Autosomal recessive Parkinson disease 14. Last evaluated: 2024-04-05. Review status: criteria provided, single submitter. Criteria: ACMG Guidelines, 2015. Collection method: clinical testing. Allele origin: germline.

Labcorp Genetics (formerly Invitae), Labcorp
Classification: Pathogenic for Infantile neuroaxonal dystrophy. Last evaluated: 2024-02-08. Review status: criteria provided, single submitter. Criteria: Invitae Variant Classification Sherloc (09022015). Collection method: clinical testing. Allele origin: germline.
Comment: This sequence change creates a premature translational stop signal (p.Tyr286Serfs*19) in the PLA2G6 gene. It is expected to result in an absent or disrupted protein product. Loss-of-function variants in PLA2G6 are known to be pathogenic (PMID: 16783378, 18570303, 18799783, 22213678). This variant is not present in population databases (gnomAD no frequency). This variant has not been reported in the literature in individuals affected with PLA2G6-related conditions. For these reasons, this variant has been classified as Pathogenic.

Literature cited by the submitters: PubMed 16783378 (cited by Labcorp Genetics (formerly Invitae), Labcorp); PubMed 18570303 (cited by Labcorp Genetics (formerly Invitae), Labcorp); PubMed 18799783 (cited by Labcorp Genetics (formerly Invitae), Labcorp); PubMed 22213678 (cited by Labcorp Genetics (formerly Invitae), Labcorp).

NM_003560.4(PLA2G6):c.857del (p.Tyr286fs)

Gene: PLA2G6 (phospholipase A2 group VI; minus strand). Cytogenetic location: 22q13.1.
Variant type: Deletion.
Coding change: c.857del on transcript NM_003560.4 (MANE Select); coding-DNA position 857, one base deleted (A; older notation c.857delA).
Protein change: p.Tyr286fs; shifts the reading frame from tyrosine 286.
Molecular consequence: frameshift variant.
Genome position (GRCh38, 1-based): chr22:38,135,025, T deleted on the plus strand (A on the coding strand, the reverse complement: PLA2G6 is on the minus strand). VCF-style (leftmost placement, unchanged base first): chr22-38135024-GT-G. GRCh37 (hg19) VCF-style: chr22-38531031-GT-G.
Other names: c.857del, p.Tyr286fs (NM_001004426.3, NM_001199562.3, NM_001349864.2 and 2 more transcripts); c.323del, p.Tyr108fs (NM_001349867.2, NM_001349869.2); c.179del, p.Tyr60fs (NM_001349868.2); short protein forms Y108fs, Y60fs, Y286fs.
Identifiers: ClinVar variation 3588039 (VCV003588039.3).